The following is an entry in ClinVar:

NM_017780.4(CHD7):c.7717A>G (p.Asn2573Asp)

Gene: CHD7 (chromodomain helicase DNA binding protein 7; plus strand). Cytogenetic location: 8q12.2.
Variant type: single nucleotide variant.
Coding change: c.7717A>G on transcript NM_017780.4 (MANE Select); coding-DNA position 7717, A replaced by G.
Protein change: p.Asn2573Asp; replaces asparagine 2573 with aspartic acid.
Molecular consequence: missense variant. On other transcripts: intron variant (1).
Genome position (GRCh38, 1-based): chr8:60,861,012, A>G. VCF-style: chr8-60861012-A-G. GRCh37 (hg19) VCF-style: chr8-61773571-A-G.
Other names: c.1717-1217A>G (NM_001316690.1); short protein forms N2573D.
Identifiers: ClinVar variation 2797378 (VCV002797378.3), dbSNP rs2488107776, ClinGen allele CA371304540.

ClinVar aggregate classification (germline): Uncertain significance (1 of 4 stars; one submission).

Conditions:
CHARGE syndrome (CHARGE). Also called: Hittner Hirsch Kreh syndrome; CHARGE ASSOCIATION--COLOBOMA, HEART ANOMALY, CHOANAL ATRESIA, RETARDATION, GENITAL AND EAR ANOMALIES; Coloboma, heart anomaly, choanal atresia, retardation, genital and ear anomalies; CHARGE association; Hall-Hittner syndrome. Identifiers: Orphanet 138, MedGen C0265354, MONDO:0008965.

Submission:

Labcorp Genetics (formerly Invitae), Labcorp
Classification: Uncertain significance for CHARGE syndrome. Last evaluated: 2023-08-23. Review status: criteria provided, single submitter. Criteria: Invitae Variant Classification Sherloc (09022015). Collection method: clinical testing. Allele origin: germline.
Comment: In summary, the available evidence is currently insufficient to determine the role of this variant in disease. Therefore, it has been classified as a Variant of Uncertain Significance. Advanced modeling of protein sequence and biophysical properties (such as structural, functional, and spatial information, amino acid conservation, physicochemical variation, residue mobility, and thermodynamic stability) performed at Invitae indicates that this missense variant is not expected to disrupt CHD7 protein function. This variant has not been reported in the literature in individuals affected with CHD7-related conditions. This variant is not present in population databases (gnomAD no frequency). This sequence change replaces asparagine, which is neutral and polar, with aspartic acid, which is acidic and polar, at codon 2573 of the CHD7 protein (p.Asn2573Asp).